The following is an entry in ClinVar:

ClinVar aggregate classification (germline): Uncertain significance. Review status: criteria provided, multiple submitters, no conflicts (2 of 4 stars). 2 submissions from 2 submitters: Uncertain significance (2). Last evaluated 2025-05-05.

Conditions:
Cardiovascular phenotype. Identifiers: MedGen CN230736.
Myofibrillar myopathy 6. Identifiers: Orphanet 199340, MedGen C2751831, MONDO:0013061, OMIM 612954.
Dilated cardiomyopathy 1HH (CMD1HH). Identifiers: Orphanet 154, MedGen C3151293, MONDO:0013479, OMIM 613881.

gnomAD v4.1: 1 of 1,614,212 alleles (0.000062%); highest among the groups gnomAD compares: Non-Finnish European, 0.000085%; no homozygotes.

Submissions (2):

Ambry Genetics
Classification: Uncertain significance for Cardiovascular phenotype. Last evaluated: 2025-05-05. Review status: criteria provided, single submitter. Criteria: Ambry Variant Classification Scheme 2023. Collection method: clinical testing. Allele origin: germline.
Comment: The p.Q244E variant (also known as c.730C>G), located in coding exon 3 of the BAG3 gene, results from a C to G substitution at nucleotide position 730. The glutamine at codon 244 is replaced by glutamic acid, an amino acid with highly similar properties. This amino acid position is conserved. In addition, the in silico prediction for this alteration is inconclusive. Based on the available evidence, the clinical significance of this variant remains unclear.

Labcorp Genetics (formerly Invitae), Labcorp
Classification: Uncertain significance for Dilated cardiomyopathy 1HH; Myofibrillar myopathy 6. Last evaluated: 2024-04-25. Review status: criteria provided, single submitter. Criteria: Invitae Variant Classification Sherloc (09022015). Collection method: clinical testing. Allele origin: germline.
Comment: This sequence change replaces glutamine, which is neutral and polar, with glutamic acid, which is acidic and polar, at codon 244 of the BAG3 protein (p.Gln244Glu). This variant is not present in population databases (gnomAD no frequency). This variant has not been reported in the literature in individuals affected with BAG3-related conditions. Advanced modeling of protein sequence and biophysical properties (such as structural, functional, and spatial information, amino acid conservation, physicochemical variation, residue mobility, and thermodynamic stability) has been performed at Invitae for this missense variant, however the output from this modeling did not meet the statistical confidence thresholds required to predict the impact of this variant on BAG3 protein function. In summary, the available evidence is currently insufficient to determine the role of this variant in disease. Therefore, it has been classified as a Variant of Uncertain Significance.

NM_004281.4(BAG3):c.730C>G (p.Gln244Glu)

Gene: BAG3 (BAG cochaperone 3; plus strand). Cytogenetic location: 10q26.11.
Variant type: single nucleotide variant.
Coding change: c.730C>G on transcript NM_004281.4 (MANE Select); coding-DNA position 730, C replaced by G.
Protein change: p.Gln244Glu; replaces glutamine 244 with glutamic acid.
Molecular consequence: missense variant.
Genome position (GRCh38, 1-based): chr10:119,672,477, C>G. VCF-style: chr10-119672477-C-G. GRCh37 (hg19) VCF-style: chr10-121431989-C-G.
Other names: short protein forms Q244E.
Identifiers: ClinVar variation 3750682 (VCV003750682.3).
Genomic context (GRCh38, chr10:119,672,477, plus strand): 5'-TCCTTCCACCAAGCCCAGAAGACGCACTACCCAGCGCAGCAGGGGGAGTACCAGACCCAC[C>G]AGCCTGTGTACCACAAGATCCAGGGGGATGACTGGGAGCCCCGGCCCCTGCGGGCGGCAT-3'
Protein context (NP_004272.2, residues 234-254): PAQQGEYQTH[Gln244Glu]PVYHKIQGDD